The following is an entry in ClinVar:

NM_014704.4(CEP104):c.1331A>G (p.Tyr444Cys)

Gene: CEP104 (centrosomal protein 104; minus strand). Cytogenetic location: 1p36.32.
Variant type: single nucleotide variant.
Coding change: c.1331A>G on transcript NM_014704.4 (MANE Select); coding-DNA position 1331, A replaced by G.
Protein change: p.Tyr444Cys; replaces tyrosine 444 with cysteine.
Molecular consequence: missense variant.
Genome position (GRCh38, 1-based): chr1:3,835,079, T>C on the plus strand (A>G on the coding strand, the complement: CEP104 is on the minus strand). VCF-style: chr1-3835079-T-C. GRCh37 (hg19) VCF-style: chr1-3751643-T-C.
Other names: short protein forms Y444C.
Identifiers: ClinVar variation 2039650 (VCV002039650.2), dbSNP rs777132479, ClinGen allele CA551621.

ClinVar aggregate classification (germline): Uncertain significance. Review status: criteria provided, multiple submitters, no conflicts (2 of 4 stars). 2 submissions from 2 submitters: Uncertain significance (2). Last evaluated 2022-05-03.

Conditions:
Joubert syndrome 25 (JBTS25). Identifiers: Orphanet 475, MedGen C4084842, MONDO:0014770, OMIM 616781.
Inborn genetic diseases. Identifiers: MedGen C0950123, MeSH D030342.

Allele frequency attached by ClinVar (database versions not stated): gnomAD 0.00001; TOPMed 0.00003; gnomAD exomes 0.00005; ExAC 0.00006.
gnomAD v4.1: 76 of 1,613,386 alleles (0.0047%); highest among the groups gnomAD compares: Non-Finnish European, 0.0058%; no homozygotes.

Submissions (2):

Labcorp Genetics (formerly Invitae), Labcorp
Classification: Uncertain significance for Joubert syndrome 25. Last evaluated: 2022-05-03. Review status: criteria provided, single submitter. Criteria: Invitae Variant Classification Sherloc (09022015). Collection method: clinical testing. Allele origin: germline.
Comment: This sequence change replaces tyrosine, which is neutral and polar, with cysteine, which is neutral and slightly polar, at codon 444 of the CEP104 protein (p.Tyr444Cys). This variant is present in population databases (rs777132479, gnomAD 0.007%). This variant has not been reported in the literature in individuals affected with CEP104-related conditions. Algorithms developed to predict the effect of missense changes on protein structure and function (SIFT, PolyPhen-2, Align-GVGD) all suggest that this variant is likely to be disruptive. In summary, the available evidence is currently insufficient to determine the role of this variant in disease. Therefore, it has been classified as a Variant of Uncertain Significance.

Ambry Genetics
Classification: Uncertain significance for Inborn genetic diseases. Last evaluated: 2021-03-26. Review status: criteria provided, single submitter. Criteria: Ambry Variant Classification Scheme 2023. Collection method: clinical testing. Allele origin: germline.
Comment: The c.1331A>G (p.Y444C) alteration is located in exon 11 (coding exon 10) of the CEP104 gene. This alteration results from a A to G substitution at nucleotide position 1331, causing the tyrosine (Y) at amino acid position 444 to be replaced by a cysteine (C). The p.Y444C alteration is predicted to be tolerated by in silico analysis. Based on insufficient or conflicting evidence, the clinical significance of this alteration remains unclear.